The following is an entry in ClinVar:

ClinVar aggregate classification (germline): Pathogenic (1 of 4 stars; one submission).

Conditions:
Hypophosphatasia. Also called: Phosphoethanol-aminuria. Identifiers: Orphanet 436, MedGen C0020630, MeSH D007014, MONDO:0018570.

gnomAD v4.1: 2 of 1,610,862 alleles (0.00012%); highest among the groups gnomAD compares: South Asian, 0.0011%; no homozygotes.

Submission:

Genomenon, Inc
Classification: Pathogenic for Hypophosphatasia. Last evaluated: 2025-08-29. Review status: criteria provided, single submitter. Criteria: Genomenon Sequence Variant Interpretation Standards. Collection method: curation. Allele origin: germline. Affected: yes.
Comment: ALPL c.1397C>T is a missense variant that changes the amino acid at residue 466 from Proline to Leucine. This variant has been observed in at least one proband affected with hypophosphatasia (PMID:32973344;30655187). At least one functional study has demonstrated a substantial alteration in protein function relative to the wild-type (PMID:32160374). It is absent or not present at a significant frequency in gnomAD. In silico models agree that this variant is possibly or probably damaging. In conclusion, we classify ALPL p.Pro466Leu (c.1397C>T) as a pathogenic variant.

Literature cited by the submitters: PubMed 32973344; PubMed 30655187; PubMed 32160374.

NM_000478.6(ALPL):c.1397C>T (p.Pro466Leu)

Gene: ALPL (alkaline phosphatase, biomineralization associated; plus strand). Cytogenetic location: 1p36.12.
Variant type: single nucleotide variant.
Coding change: c.1397C>T on transcript NM_000478.6 (MANE Select); coding-DNA position 1397, C replaced by T.
Protein change: p.Pro466Leu; replaces proline 466 with leucine.
Molecular consequence: missense variant.
Genome position (GRCh38, 1-based): chr1:21,577,470, C>T. VCF-style: chr1-21577470-C-T. GRCh37 (hg19) VCF-style: chr1-21903963-C-T.
Other names: c.1232C>T, p.Pro411Leu (NM_001127501.4); c.1166C>T, p.Pro389Leu (NM_001177520.3); c.1397C>T, p.Pro466Leu (NM_001369803.2, NM_001369804.2, NM_001369805.2); short protein forms P389L, P411L, P466L.
Identifiers: ClinVar variation 4086900 (VCV004086900.1).